The following is an entry in ClinVar:

NM_001457.4(FLNB):c.906+275G>T

Gene: FLNB (filamin B; plus strand). Cytogenetic location: 3p14.3.
Variant type: single nucleotide variant.
Coding change: c.906+275G>T on transcript NM_001457.4 (MANE Select); 275 bases into the intron after coding-DNA position 906, G replaced by T.
Molecular consequence: intron variant.
Genome position (GRCh38, 1-based): chr3:58,095,229, G>T. VCF-style: chr3-58095229-G-T. GRCh37 (hg19) VCF-style: chr3-58080956-G-T.
Other names: c.906+275G>T (NM_001164317.2, NM_001164318.2, NM_001164319.2).
Identifiers: ClinVar variation 683072 (VCV000683072.1), dbSNP rs7645145, ClinGen allele CA75440142.

ClinVar aggregate classification (germline): Benign (1 of 4 stars; one submission).

Allele frequency attached by ClinVar (database versions not stated): gnomAD 0.09109 and 0.09373.
gnomAD v4.1: 13,394 of 147,714 alleles (9.1%); highest among the groups gnomAD compares: African/African-American, 19%; 934 homozygotes.

Submission:

GeneDx
Classification: Benign. Last evaluated: 2018-06-19. Review status: criteria provided, single submitter. Criteria: GeneDx Variant Classification (06012015). Collection method: clinical testing. Allele origin: germline. Affected: yes.
Comment: This variant is considered likely benign or benign based on one or more of the following criteria: it is a conservative change, it occurs at a poorly conserved position in the protein, it is predicted to be benign by multiple in silico algorithms, and/or has population frequency not consistent with disease.